The following is an entry in ClinVar:

NM_024757.5(EHMT1):c.3258+21G>A

Gene: EHMT1 (euchromatic histone lysine methyltransferase 1; plus strand). Cytogenetic location: 9q34.3.
Variant type: single nucleotide variant.
Coding change: c.3258+21G>A on transcript NM_024757.5 (MANE Select); 21 bases into the intron after coding-DNA position 3258, G replaced by A.
Molecular consequence: intron variant.
Genome position (GRCh38, 1-based): chr9:137,814,529, G>A. VCF-style: chr9-137814529-G-A. GRCh37 (hg19) VCF-style: chr9-140708981-G-A.
Other names: c.3237+21G>A (NM_001354263.2).
Identifiers: ClinVar variation 5039038 (VCV005039038.1).

ClinVar aggregate classification (germline): Likely benign (1 of 4 stars; one submission).

gnomAD v4.1: 59 of 1,601,694 alleles (0.0037%); highest among the groups gnomAD compares: East Asian, 0.036%; no homozygotes.

Submission:

CeGaT Center for Human Genetics Tuebingen
Classification: Likely benign. Last evaluated: 2026-08-01. Review status: criteria provided, single submitter. Criteria: CeGaT Center For Human Genetics Tuebingen Variant Classification Criteria Version 2. Collection method: clinical testing. Allele origin: germline. Affected: yes. Observed: 1 variant allele.
Comment: EHMT1: BP4, BP7